The following is an entry in ClinVar:

NM_024721.5(ZFHX4):c.3075G>A (p.Ala1025=)

Gene: ZFHX4 (zinc finger homeobox 4; plus strand). Cytogenetic location: 8q21.13.
Variant type: single nucleotide variant.
Coding change: c.3075G>A on transcript NM_024721.5 (MANE Select); coding-DNA position 3075, G replaced by A.
Protein change: p.Ala1025=; no amino-acid change (alanine 1025 retained).
Molecular consequence: synonymous variant.
Genome position (GRCh38, 1-based): chr8:76,708,030, G>A. VCF-style: chr8-76708030-G-A. GRCh37 (hg19) VCF-style: chr8-77620265-G-A.
Other names: c.2997G>A, p.Ala999= (NM_001410934.1).
Identifiers: ClinVar variation 3035213 (VCV003035213.2), dbSNP rs376251060, ClinGen allele CA4787121.
Genomic context (GRCh38, chr8:76,708,030, plus strand): 5'-CTATTACACCAACAGTGTGGATAAATTACGCTTGCATACCACCAATCACAGGCACGAGGC[G>A]GCCCTGAAGCTCTACAAGGTAAGCAGTGACATCCATTTCCGTTGGCACAGAGTAGAAAAG-3'
Protein context (NP_078997.4, residues 1015-1035): RLHTTNHRHE[Ala1025=]ALKLYKHLQK

ClinVar aggregate classification (germline): Likely benign (0 of 4 stars; one submission).

Conditions:
ZFHX4-related disorder. Also called: ZFHX4-related condition.

Allele frequency attached by ClinVar (database versions not stated): ExAC 0.00007; gnomAD 0.00015; 1000 Genomes Project 30x 0.00016; TOPMed 0.00017; 1000 Genomes Project 0.00020; ESP Exome Variant Server 0.00024.
gnomAD v4.1: 89 of 1,613,380 alleles (0.0055%); highest among the groups gnomAD compares: African/African-American, 0.04%; no homozygotes.

Submission:

PreventionGenetics, part of Exact Sciences
Classification: Likely benign for ZFHX4-related condition. Last evaluated: 2019-08-09. Review status: no assertion criteria provided. Collection method: clinical testing. Allele origin: germline.
Comment: This variant is classified as likely benign based on ACMG/AMP sequence variant interpretation guidelines (Richards et al. 2015 PMID: 25741868, with internal and published modifications).